The following is an entry in ClinVar:

ClinVar aggregate classification (germline): Pathogenic (1 of 4 stars; one submission).

Conditions:
Multiple congenital anomalies-hypotonia-seizures syndrome 1 (MCAHS1). Also called: PIGN-CDG; Congenital disorder of glycosylation due to PIGN deficiency; GLYCOSYLPHOSPHATIDYLINOSITOL BIOSYNTHESIS DEFECT 3. Identifiers: Orphanet 280633, MedGen C3279775, MONDO:0013563, OMIM 614080.

Submission:

Labcorp Genetics (formerly Invitae), Labcorp
Classification: Pathogenic for Multiple congenital anomalies-hypotonia-seizures syndrome 1. Last evaluated: 2018-12-26. Review status: criteria provided, single submitter. Criteria: Invitae Variant Classification Sherloc (09022015). Collection method: clinical testing. Allele origin: germline.
Comment: For these reasons, this variant has been classified as Pathogenic. Loss-of-function variants in PIGN are known to be pathogenic (PMID: 24253414, 27038415). This variant has not been reported in the literature in individuals with PIGN-related conditions. This variant is an out-of-frame deletion of the genomic region encompassing exons 5-7 of the PIGN gene. This is expected to create a premature translational stop signal and result in an absent or disrupted protein product.

Literature cited by the submitters: PubMed 24253414; PubMed 27038415.

NC_000018.10:g.(?_62154545)_(62157808_?)del

Gene: PIGN (phosphatidylinositol glycan anchor biosynthesis class N; minus strand). Cytogenetic location: 18q21.33.
Variant type: Deletion.
Identifiers: ClinVar variation 659593 (VCV000659593.3).